The following is an entry in ClinVar:

ClinVar aggregate classification (germline): Uncertain significance. Review status: criteria provided, multiple submitters, no conflicts (2 of 4 stars). 2 submissions from 2 submitters: Uncertain significance (2). Last evaluated 2026-01-07.

Conditions:
Early-infantile DEE. Also called: Early infantile epileptic encephalopathy with suppression bursts; Early infantile epileptic encephalopathy; Ohtahara syndrome. Identifiers: Orphanet 1934, MedGen C0393706, MONDO:0800491.

Submissions (2):

Labcorp Genetics (formerly Invitae), Labcorp
Classification: Uncertain significance for Early-infantile DEE. Last evaluated: 2026-01-07. Review status: criteria provided, single submitter. Criteria: Invitae Variant Classification Sherloc (09022015). Collection method: clinical testing. Allele origin: germline.
Comment: This sequence change replaces glutamic acid, which is acidic and polar, with glycine, which is neutral and non-polar, at codon 469 of the SCN8A protein (p.Glu469Gly). This variant is not present in population databases (gnomAD no frequency). This variant has not been reported in the literature in individuals affected with SCN8A-related conditions. ClinVar contains an entry for this variant (Variation ID: 1710721). Invitae Evidence Modeling of protein sequence and biophysical properties (such as structural, functional, and spatial information, amino acid conservation, physicochemical variation, residue mobility, and thermodynamic stability) indicates that this missense variant is not expected to disrupt SCN8A protein function with a negative predictive value of 95%. In summary, the available evidence is currently insufficient to determine the role of this variant in disease. Therefore, it has been classified as a Variant of Uncertain Significance.

GeneDx
Classification: Uncertain significance. Last evaluated: 2022-10-14. Review status: criteria provided, single submitter. Criteria: GeneDx Variant Classification Process June 2021. Collection method: clinical testing. Allele origin: germline. Affected: yes.
Comment: Not observed at significant frequency in large population cohorts (gnomAD); Missense variants in this gene are often considered pathogenic (HGMD); In silico analysis supports that this missense variant has a deleterious effect on protein structure/function; This substitution is predicted to be in the cytoplasmic loop between the first and second homologous domains; Has not been previously published as pathogenic or benign to our knowledge

NM_001330260.2(SCN8A):c.1406A>G (p.Glu469Gly)

Gene: SCN8A (sodium voltage-gated channel alpha subunit 8; plus strand). Cytogenetic location: 12q13.13.
Variant type: single nucleotide variant.
Coding change: c.1406A>G on transcript NM_001330260.2 (MANE Select); coding-DNA position 1406, A replaced by G.
Protein change: p.Glu469Gly; replaces glutamic acid 469 with glycine.
Molecular consequence: missense variant.
Genome position (GRCh38, 1-based): chr12:51,706,486, A>G. VCF-style: chr12-51706486-A-G. GRCh37 (hg19) VCF-style: chr12-52100270-A-G.
Other names: c.1406A>G, p.Glu469Gly (NM_001177984.3, NM_001369788.1, NM_014191.4); short protein forms E469G.
Identifiers: ClinVar variation 1710721 (VCV001710721.5), dbSNP rs2540185939, ClinGen allele CA385228735.